The following is an entry in ClinVar:

NM_001330078.2(NRXN1):c.3202G>A (p.Asp1068Asn)

Gene: NRXN1 (neurexin 1; minus strand). Cytogenetic location: 2p16.3.
Variant type: single nucleotide variant.
Coding change: c.3202G>A on transcript NM_001330078.2 (MANE Select); coding-DNA position 3202, G replaced by A.
Protein change: p.Asp1068Asn; replaces aspartic acid 1068 with asparagine.
Molecular consequence: missense variant.
Genome position (GRCh38, 1-based): chr2:50,472,340, C>T on the plus strand (G>A on the coding strand, the complement: NRXN1 is on the minus strand). VCF-style: chr2-50472340-C-T. GRCh37 (hg19) VCF-style: chr2-50699478-C-T.
Other names: c.3322G>A, p.Asp1108Asn (NM_001135659.3); c.3178G>A, p.Asp1060Asn (NM_001330077.2, NM_001330082.2); c.3136G>A, p.Asp1046Asn (NM_001330083.2, NM_001330084.2); c.3175G>A, p.Asp1059Asn (NM_001330085.2); c.3202G>A, p.Asp1068Asn (NM_001330086.2, NM_004801.6); c.3091G>A, p.Asp1031Asn (NM_001330087.2, NM_001330096.2); c.3121G>A, p.Asp1041Asn (NM_001330088.2); c.3199G>A, p.Asp1067Asn (NM_001330093.2); and 2 more; short protein forms D1108N, D1031N, D1067N, D1041N, D1046N, D1059N, D1060N, D1051N.
Identifiers: ClinVar variation 453155 (VCV000453155.7), dbSNP rs200722697, ClinGen allele CA1654645.

ClinVar aggregate classification (germline): Uncertain significance. Review status: criteria provided, multiple submitters, no conflicts (2 of 4 stars). 2 submissions from 2 submitters: Uncertain significance (2). Last evaluated 2022-12-22.

Conditions:
Pitt-Hopkins-like syndrome 2 (PTHSL2). Identifiers: Orphanet 221150, Orphanet 600663, MedGen C3280479, MONDO:0013690, OMIM 614325.

Allele frequency attached by ClinVar (database versions not stated): gnomAD exomes below 0.00001; ExAC 0.00001; 1000 Genomes Project 30x 0.00016; 1000 Genomes Project 0.00020.
gnomAD v4.1: 5 of 1,611,120 alleles (0.00031%); highest among the groups gnomAD compares: East Asian, 0.0022%; no homozygotes.

Submissions (2):

Labcorp Genetics (formerly Invitae), Labcorp
Classification: Uncertain significance for Pitt-Hopkins-like syndrome 2. Last evaluated: 2022-12-22. Review status: criteria provided, single submitter. Criteria: Invitae Variant Classification Sherloc (09022015). Collection method: clinical testing. Allele origin: germline.
Comment: In summary, the available evidence is currently insufficient to determine the role of this variant in disease. Therefore, it has been classified as a Variant of Uncertain Significance. Algorithms developed to predict the effect of missense changes on protein structure and function are either unavailable or do not agree on the potential impact of this missense change (SIFT: "Deleterious"; PolyPhen-2: "Probably Damaging"; Align-GVGD: "Class C15"). ClinVar contains an entry for this variant (Variation ID: 453155). This variant has not been reported in the literature in individuals affected with NRXN1-related conditions. This variant is not present in population databases (gnomAD no frequency). This sequence change replaces aspartic acid, which is acidic and polar, with asparagine, which is neutral and polar, at codon 1108 of the NRXN1 protein (p.Asp1108Asn).

GeneDx
Classification: Uncertain significance. Last evaluated: 2019-04-05. Review status: criteria provided, single submitter. Criteria: GeneDx Variant Classification Process June 2021. Collection method: clinical testing. Allele origin: germline. Affected: yes.
Comment: Not observed in large population cohorts (Lek et al., 2016); In silico analysis, which includes protein predictors and evolutionary conservation, supports a deleterious effect; Has not been previously published as pathogenic or benign to our knowledge